The following is an entry in ClinVar:

ClinVar aggregate classification (germline): Uncertain significance (1 of 4 stars; one submission).

Submission:

Labcorp Genetics (formerly Invitae), Labcorp
Classification: Uncertain significance. Last evaluated: 2022-06-19. Review status: criteria provided, single submitter. Criteria: Invitae Variant Classification Sherloc (09022015). Collection method: clinical testing. Allele origin: germline.
Comment: This sequence change replaces glycine, which is neutral and non-polar, with glutamic acid, which is acidic and polar, at codon 23 of the TK2 protein (p.Gly23Glu). This variant is not present in population databases (gnomAD no frequency). This variant has not been reported in the literature in individuals affected with TK2-related conditions. Advanced modeling of protein sequence and biophysical properties (such as structural, functional, and spatial information, amino acid conservation, physicochemical variation, residue mobility, and thermodynamic stability) performed at Invitae indicates that this missense variant is not expected to disrupt TK2 protein function. In summary, the available evidence is currently insufficient to determine the role of this variant in disease. Therefore, it has been classified as a Variant of Uncertain Significance.

NM_004614.5(TK2):c.68G>A (p.Gly23Glu)

Genes: TK2 (thymidine kinase 2; minus strand), LOC130059156 (ATAC-STARR-seq lymphoblastoid silent region 7560; plus strand). Cytogenetic location: 16q21.
Variant type: single nucleotide variant.
Coding change: c.68G>A on transcript NM_004614.5 (MANE Select); coding-DNA position 68, G replaced by A.
Protein change: p.Gly23Glu; replaces glycine 23 with glutamic acid.
Molecular consequence: missense variant. On other transcripts: 5 prime UTR variant (2), non-coding transcript variant (1), intron variant (2).
Genome position (GRCh38, 1-based): chr16:66,549,994, C>T on the plus strand (G>A on the coding strand, the complement: TK2 is on the minus strand). VCF-style: chr16-66549994-C-T. GRCh37 (hg19) VCF-style: chr16-66583897-C-T.
Other names: c.68G>A, p.Gly23Glu (NM_001172644.2, NM_001172645.2); c.-175G>A (NM_001271934.2); c.-585G>A (NM_001272050.2); c.31+259G>A (NM_001271935.1, NM_001172643.1); short protein forms G23E.
Identifiers: ClinVar variation 2008514 (VCV002008514.4), dbSNP rs2507216622, ClinGen allele CA396193693.